The following is an entry in ClinVar:

ClinVar aggregate classification (germline): Uncertain significance (1 of 4 stars; one submission).

Conditions:
Congenital disorder of glycosylation, type Ii. Also called: ALG2-CDG; CDG Ii; ALG2-congenital disorder of glycosylation. Identifiers: Orphanet 79326, MedGen C1842836, MONDO:0011933, OMIM 607906.
Congenital myasthenic syndrome 14. Also called: Myasthenic syndrome, congenital, 14, with tubular aggregates. Identifiers: Orphanet 353327, Orphanet 590, MedGen C4015597, MONDO:0014543, OMIM 616228.

Allele frequency attached by ClinVar (database versions not stated): gnomAD exomes below 0.00001 and 0.00001; ExAC 0.00002.

Submission:

Labcorp Genetics (formerly Invitae), Labcorp
Classification: Uncertain significance for Congenital disorder of glycosylation, type Ii; Congenital myasthenic syndrome 14. Last evaluated: 2022-07-26. Review status: criteria provided, single submitter. Criteria: Invitae Variant Classification Sherloc (09022015). Collection method: clinical testing. Allele origin: germline.
Comment: This variant is present in population databases (rs759789517, gnomAD 0.003%). In summary, the available evidence is currently insufficient to determine the role of this variant in disease. Therefore, it has been classified as a Variant of Uncertain Significance. Algorithms developed to predict the effect of missense changes on protein structure and function (SIFT, PolyPhen-2, Align-GVGD) all suggest that this variant is likely to be disruptive. ClinVar contains an entry for this variant (Variation ID: 1490511). This variant has not been reported in the literature in individuals affected with ALG2-related conditions. This sequence change replaces leucine, which is neutral and non-polar, with proline, which is neutral and non-polar, at codon 191 of the ALG2 protein (p.Leu191Pro).

NM_033087.4(ALG2):c.572T>C (p.Leu191Pro)

Gene: ALG2 (ALG2 alpha-1,3/1,6-mannosyltransferase; minus strand). Cytogenetic location: 9q22.33.
Variant type: single nucleotide variant.
Coding change: c.572T>C on transcript NM_033087.4 (MANE Select); coding-DNA position 572, T replaced by C.
Protein change: p.Leu191Pro; replaces leucine 191 with proline.
Molecular consequence: missense variant. On other transcripts: non-coding transcript variant (1).
Genome position (GRCh38, 1-based): chr9:99,218,613, A>G on the plus strand (T>C on the coding strand, the complement: ALG2 is on the minus strand). VCF-style: chr9-99218613-A-G. GRCh37 (hg19) VCF-style: chr9-101980895-A-G.
Other names: short protein forms L191P.
Identifiers: ClinVar variation 1490511 (VCV001490511.6), dbSNP rs759789517, ClinGen allele CA5156292.
Genomic context (GRCh38, chr9:99,218,613, plus strand): 5'-ACTGAGTCAAAGCTGGTGACATTTAGAGATGGATAGAGGACATCAGGGTCTATGTGAGAC[A>G]GGGACTTGAATGTTTCCTTAAAAACAGCAGCTGTGAACTGGCTGTTGACTAAGATGCAGT-3'
Protein context (NP_149078.1, residues 181-201): AAVFKETFKS[Leu191Pro]SHIDPDVLYP